The following is an entry in ClinVar:

NM_000334.4(SCN4A):c.64C>T (p.Arg22Trp)

Gene: SCN4A (sodium voltage-gated channel alpha subunit 4; minus strand). Cytogenetic location: 17q23.3.
Variant type: single nucleotide variant.
Coding change: c.64C>T on transcript NM_000334.4 (MANE Select); coding-DNA position 64, C replaced by T.
Protein change: p.Arg22Trp; replaces arginine 22 with tryptophan.
Molecular consequence: missense variant.
Genome position (GRCh38, 1-based): chr17:63,972,778, G>A on the plus strand (C>T on the coding strand, the complement: SCN4A is on the minus strand). VCF-style: chr17-63972778-G-A. GRCh37 (hg19) VCF-style: chr17-62050138-G-A.
Other names: short protein forms R22W.
Identifiers: ClinVar variation 1504907 (VCV001504907.7), dbSNP rs865873054, ClinGen allele CA292972915.

ClinVar aggregate classification (germline): Uncertain significance. Review status: criteria provided, multiple submitters, no conflicts (2 of 4 stars). 2 submissions from 2 submitters: Uncertain significance (2). Last evaluated 2025-10-15.

Conditions:
Paramyotonia congenita of Von Eulenburg. Also called: PARALYSIS PERIODICA PARAMYOTONICA; Paramyotonia Congenita; Eulenburg disease; Myotonia congenita intermittens; Von Eulenburg paramyotonia congenita. Identifiers: Orphanet 684, MedGen C0221055, MONDO:0008195, OMIM 168300. Disease mechanism: loss of function.
Hypokalemic periodic paralysis, type 1. Also called: HypoPP; Hypokalemic Periodic Paralysis Type 1 (AD). Identifiers: Orphanet 681, MedGen C3714580, MONDO:0042979, OMIM 170400.
Hypokalemic periodic paralysis, type 2 (HOKPP2). Identifiers: Orphanet 681, MedGen C2750061, MONDO:0013234, OMIM 613345.
Potassium-aggravated myotonia. Also called: MYOTONIA CONGENITA, ACETAZOLAMIDE-RESPONSIVE; MYOTONIA CONGENITA, ATYPICAL; SODIUM CHANNEL MUSCLE DISEASE; Myotonia congenita, atypical, acetazolamide-responsive. Identifiers: Orphanet 612, Orphanet 99734, Orphanet 99735, Orphanet 99736, MedGen C2931826, MONDO:0018959, OMIM 608390.
Congenital myasthenic syndrome 16. Identifiers: Orphanet 590, MedGen C3280112, MONDO:0013620, OMIM 614198.
Hyperkalemic periodic paralysis. Also called: Familial hyperkalemic periodic paralysis; Gamstorp disease. Identifiers: Orphanet 682, MedGen C0238357, MONDO:0008224, OMIM 170500, HP:0007215.

Allele frequency attached by ClinVar (database versions not stated): gnomAD exomes 0.00001; gnomAD 0.00003; TOPMed 0.00004.
gnomAD v4.1: 17 of 1,613,570 alleles (0.0011%); highest among the groups gnomAD compares: Admixed American, 0.005%; no homozygotes.

Submissions (2):

Labcorp Genetics (formerly Invitae), Labcorp
Classification: Uncertain significance for Hyperkalemic periodic paralysis. Last evaluated: 2025-10-15. Review status: criteria provided, single submitter. Criteria: Invitae Variant Classification Sherloc (09022015). Collection method: clinical testing. Allele origin: germline.
Comment: This sequence change replaces arginine, which is basic and polar, with tryptophan, which is neutral and slightly polar, at codon 22 of the SCN4A protein (p.Arg22Trp). This variant is present in population databases (no rsID available, gnomAD 0.006%). This variant has not been reported in the literature in individuals affected with SCN4A-related conditions. ClinVar contains an entry for this variant (Variation ID: 1504907). Invitae Evidence Modeling of protein sequence and biophysical properties (such as structural, functional, and spatial information, amino acid conservation, physicochemical variation, residue mobility, and thermodynamic stability) indicates that this missense variant is not expected to disrupt SCN4A protein function with a negative predictive value of 95%. In summary, the available evidence is currently insufficient to determine the role of this variant in disease. Therefore, it has been classified as a Variant of Uncertain Significance.

Fulgent Genetics
Classification: Uncertain significance for Paramyotonia congenita of Von Eulenburg; Hypokalemic periodic paralysis, type 1; Hyperkalemic periodic paralysis; Potassium-aggravated myotonia; Hypokalemic periodic paralysis, type 2; Congenital myasthenic syndrome 16. Last evaluated: 2021-12-15. Review status: criteria provided, single submitter. Criteria: ACMG Guidelines, 2015. Collection method: clinical testing. Allele origin: unknown.